The following is an entry in ClinVar:

ClinVar aggregate classification (germline): Uncertain significance. Review status: criteria provided, multiple submitters, no conflicts (2 of 4 stars). 2 submissions from 2 submitters: Uncertain significance (2). Last evaluated 2025-05-29.

Conditions:
Immunodeficiency 39 (IMD39). Identifiers: Orphanet 574918, MedGen C4225358, MONDO:0014597, OMIM 616345.

Allele frequency attached by ClinVar (database versions not stated): gnomAD exomes below 0.00001; TOPMed below 0.00001.
gnomAD v4.1: 4 of 1,611,596 alleles (0.00025%); highest among the groups gnomAD compares: Non-Finnish European, 0.00034%; no homozygotes.

Submissions (2):

Ambry Genetics
Classification: Uncertain significance. Last evaluated: 2025-05-29. Review status: criteria provided, single submitter. Criteria: Ambry Variant Classification Scheme 2023. Collection method: clinical testing. Allele origin: germline.

Labcorp Genetics (formerly Invitae), Labcorp
Classification: Uncertain significance for Immunodeficiency 39. Last evaluated: 2024-03-18. Review status: criteria provided, single submitter. Criteria: Invitae Variant Classification Sherloc (09022015). Collection method: clinical testing. Allele origin: germline.
Comment: This sequence change replaces alanine, which is neutral and non-polar, with threonine, which is neutral and polar, at codon 381 of the IRF7 protein (p.Ala381Thr). This variant is present in population databases (no rsID available, gnomAD 0.0009%). This variant has not been reported in the literature in individuals affected with IRF7-related conditions. ClinVar contains an entry for this variant (Variation ID: 1924833). Advanced modeling of protein sequence and biophysical properties (such as structural, functional, and spatial information, amino acid conservation, physicochemical variation, residue mobility, and thermodynamic stability) performed at Invitae indicates that this missense variant is expected to disrupt IRF7 protein function with a positive predictive value of 80%. In summary, the available evidence is currently insufficient to determine the role of this variant in disease. Therefore, it has been classified as a Variant of Uncertain Significance.

NM_001572.5(IRF7):c.1102G>A (p.Ala368Thr)

Gene: IRF7 (interferon regulatory factor 7; minus strand). Cytogenetic location: 11p15.5.
Variant type: single nucleotide variant.
Coding change: c.1102G>A on transcript NM_001572.5 (MANE Select); coding-DNA position 1102, G replaced by A.
Protein change: p.Ala368Thr; replaces alanine 368 with threonine.
Molecular consequence: missense variant.
Genome position (GRCh38, 1-based): chr11:613,341, C>T on the plus strand (G>A on the coding strand, the complement: IRF7 is on the minus strand). VCF-style: chr11-613341-C-T. GRCh37 (hg19) VCF-style: chr11-613341-C-T.
Other names: c.1015G>A, p.Ala339Thr (NM_004029.4); c.1141G>A, p.Ala381Thr (NM_004031.4); c.1141G>A (NM_004031.2); short protein forms A368T, A381T, A339T.
Identifiers: ClinVar variation 1924833 (VCV001924833.6), dbSNP rs1386386997, ClinGen allele CA378978909.